The following is an entry in ClinVar:

ClinVar aggregate classification (germline): Uncertain significance. Review status: criteria provided, multiple submitters, no conflicts (2 of 4 stars). 2 submissions from 2 submitters: Uncertain significance (2). Last evaluated 2021-12-08.

Conditions:
Developmental and epileptic encephalopathy, 32 (DEE32). Also called: Epileptic encephalopathy, early infantile, 32. Identifiers: Orphanet 442835, MedGen C4225350, MONDO:0014607, OMIM 616366.
Inborn genetic diseases. Identifiers: MedGen C0950123, MeSH D030342.

gnomAD v4.1: 1 of 1,614,198 alleles (0.000062%); highest among the groups gnomAD compares: Admixed American, 0.0017%; no homozygotes.

Submissions (2):

Labcorp Genetics (formerly Invitae), Labcorp
Classification: Uncertain significance for Developmental and epileptic encephalopathy, 32. Last evaluated: 2021-12-08. Review status: criteria provided, single submitter. Criteria: Invitae Variant Classification Sherloc (09022015). Collection method: clinical testing. Allele origin: germline.
Comment: In summary, the available evidence is currently insufficient to determine the role of this variant in disease. Therefore, it has been classified as a Variant of Uncertain Significance. Advanced modeling of protein sequence and biophysical properties (such as structural, functional, and spatial information, amino acid conservation, physicochemical variation, residue mobility, and thermodynamic stability) performed at Invitae indicates that this missense variant is not expected to disrupt KCNA2 protein function. This variant has not been reported in the literature in individuals affected with KCNA2-related conditions. This variant is present in population databases (rs765999960, gnomAD 0.003%). This sequence change replaces threonine, which is neutral and polar, with alanine, which is neutral and non-polar, at codon 452 of the KCNA2 protein (p.Thr452Ala).

Ambry Genetics
Classification: Uncertain significance for Inborn genetic diseases. Last evaluated: 2021-10-15. Review status: criteria provided, single submitter. Criteria: Ambry Variant Classification Scheme 2023. Collection method: clinical testing. Allele origin: germline.

NM_004974.4(KCNA2):c.1354A>G (p.Thr452Ala)

Gene: KCNA2 (potassium voltage-gated channel subfamily A member 2; minus strand). Cytogenetic location: 1p13.3.
Variant type: single nucleotide variant.
Coding change: c.1354A>G on transcript NM_004974.4 (MANE Select); coding-DNA position 1354, A replaced by G.
Protein change: p.Thr452Ala; replaces threonine 452 with alanine.
Molecular consequence: missense variant. On other transcripts: intron variant (1).
Genome position (GRCh38, 1-based): chr1:110,603,429, T>C on the plus strand (A>G on the coding strand, the complement: KCNA2 is on the minus strand). VCF-style: chr1-110603429-T-C. GRCh37 (hg19) VCF-style: chr1-111146051-T-C.
Other names: c.1354A>G (NM_004974.3); c.894+460A>G (NM_001204269.2); short protein forms T452A.
Identifiers: ClinVar variation 1492679 (VCV001492679.7), dbSNP rs765999960, ClinGen allele CA1000634.